The following is an entry in ClinVar:

ClinVar aggregate classification (germline): Uncertain significance (1 of 4 stars; one submission).

Conditions:
Lissencephaly due to TUBA1A mutation (CDCBM16). Also called: Lissencephaly 3; CORTICAL DYSPLASIA, COMPLEX, WITH OTHER BRAIN MALFORMATIONS 16. Identifiers: Orphanet 171680, MedGen C4305153, MONDO:0012703, OMIM 611603.

Submission:

Broad Center for Mendelian Genomics, Broad Institute of MIT and Harvard
Classification: Uncertain significance for Lissencephaly due to TUBA1A mutation. Last evaluated: 2024-05-22. Review status: criteria provided, single submitter. Criteria: ACMG Guidelines, 2015. Collection method: curation. Allele origin: germline. Inheritance: Autosomal dominant inheritance.
Comment: Trio exome analysis showed this variant to be de novo. The variant has not been previously reported in individuals with lissencephaly 3, and was absent from large population studies. Computational prediction tools and conservation analyses suggest that this variant may impact the protein, though this information is not predictive enough to determine pathogenicity. The number of missense variants reported in TUBA1A in the general population is lower than expected, suggesting there is little benign variation in this gene and slightly increasing the possibility that a missense variant in this gene may not be tolerated. In summary, the clinical significance of the p.Tyr357Cys variant is uncertain. ACMG/AMP Criteria applied: PS2_Supporting, PM2_Supporting, PP3_Moderate, PP2 (Richards 2015).

NM_006009.4(TUBA1A):c.1070A>G (p.Tyr357Cys)

Gene: TUBA1A (tubulin alpha 1a; minus strand). Cytogenetic location: 12q13.12.
Variant type: single nucleotide variant.
Coding change: c.1070A>G on transcript NM_006009.4 (MANE Select); coding-DNA position 1070, A replaced by G.
Protein change: p.Tyr357Cys; replaces tyrosine 357 with cysteine.
Molecular consequence: missense variant.
Genome position (GRCh38, 1-based): chr12:49,185,296, T>C on the plus strand (A>G on the coding strand, the complement: TUBA1A is on the minus strand). VCF-style: chr12-49185296-T-C. GRCh37 (hg19) VCF-style: chr12-49579079-T-C.
Other names: NM_001270400.2:c.965A>G; c.1070A>G, p.Tyr357Cys (NM_001270399.2); c.965A>G, p.Tyr322Cys (NM_001270400.2); short protein forms Y322C, Y357C.
Identifiers: ClinVar variation 3236676 (VCV003236676.1), dbSNP rs2498859517, ClinGen allele CA384636346.